The following is an entry in ClinVar:

ClinVar aggregate classification (germline): Benign/Likely benign. Review status: criteria provided, multiple submitters, no conflicts (2 of 4 stars). 3 submissions from 3 submitters: Benign (1); Likely benign (2). Last evaluated 2026-07-24.

Conditions:
Familial adenomatous polyposis 1 (FAP1). Also called: POLYPOSIS, ADENOMATOUS INTESTINAL; FAMILIAL ADENOMATOUS POLYPOSIS 1, ATTENUATED. Identifiers: MedGen C2713442, MONDO:0021056, OMIM 175100. Disease mechanism: loss of function.
Hereditary cancer-predisposing syndrome. Also called: Neoplastic Syndromes, Hereditary; Hereditary Cancer Syndrome; Hereditary neoplastic syndrome; Tumor predisposition. Identifiers: Orphanet 140162, MedGen C0027672, MeSH D009386, MONDO:0015356.

Submissions (3):

Ambry Genetics
Classification: Likely benign for Hereditary cancer-predisposing syndrome. Last evaluated: 2026-07-24. Review status: criteria provided, single submitter. Criteria: Ambry Variant Classification Scheme 2023. Collection method: clinical testing. Allele origin: germline.

Myriad Genetics, Inc.
Classification: Benign for Familial adenomatous polyposis 1. Last evaluated: 2024-03-05. Review status: criteria provided, single submitter. Criteria: Myriad Autosomal Dominant, Autosomal Recessive and X-Linked Classification Criteria (2023). Collection method: clinical testing. Allele origin: unknown.
Comment: This variant is considered benign. This variant is a silent/synonymous amino acid change and it is not expected to impact splicing.

Color Diagnostics, LLC DBA Color Health
Classification: Likely benign for Hereditary cancer-predisposing syndrome. Last evaluated: 2018-01-29. Review status: criteria provided, single submitter. Criteria: ACMG Guidelines, 2015. Collection method: clinical testing. Allele origin: germline.

NM_000038.6(APC):c.1542C>A (p.Ala514=)

Gene: APC (APC regulator of Wnt signaling pathway; plus strand). Cytogenetic location: 5q22.2.
Variant type: single nucleotide variant.
Coding change: c.1542C>A on transcript NM_000038.6 (MANE Select); coding-DNA position 1542, C replaced by A.
Protein change: p.Ala514=; no amino-acid change (alanine 514 retained).
Molecular consequence: synonymous variant.
Genome position (GRCh38, 1-based): chr5:112,827,241, C>A. VCF-style: chr5-112827241-C-A. GRCh37 (hg19) VCF-style: chr5-112162938-C-A.
Other names: c.1542C>A, p.Ala514= (NM_001127510.3, NM_001354895.2); c.1488C>A, p.Ala496= (NM_001127511.3); c.1596C>A, p.Ala532= (NM_001354896.2); c.1572C>A, p.Ala524= (NM_001354897.2); c.1467C>A, p.Ala489= (NM_001354898.2); c.1458C>A, p.Ala486= (NM_001354899.2); c.1419C>A, p.Ala473= (NM_001354900.2); c.1365C>A, p.Ala455= (NM_001354901.2); and 5 more.
Identifiers: ClinVar variation 631261 (VCV000631261.4), dbSNP rs1561554519, ClinGen allele CA445756184.